The following is an entry in ClinVar:

ClinVar aggregate classification (germline): Uncertain significance (1 of 4 stars; one submission).

Submission:

Dasa
Classification: Uncertain significance. Last evaluated: 2024-09-13. Review status: criteria provided, single submitter. Criteria: DASA Assertion Criteria. Collection method: clinical testing. Allele origin: germline.
Comment: NM_001042492.3(NF1):c.1300T>C (p.Cys434Arg) is a missense variant that results in the substitution of cysteine with arginine. This variant is absent from population databases. Computational prediction algorithms are consistent with a deleterious effect. The currently available literature and clinical evidence are not sufficient to establish a definitive association between this variant and the reported condition. Therefore, this variant is classified as a variant of uncertain significance.

NM_001042492.3(NF1):c.1300T>C (p.Cys434Arg)

Gene: NF1 (neurofibromin 1; plus strand). Cytogenetic location: 17q11.2.
Variant type: single nucleotide variant.
Coding change: c.1300T>C on transcript NM_001042492.3 (MANE Select); coding-DNA position 1300, T replaced by C.
Protein change: p.Cys434Arg; replaces cysteine 434 with arginine.
Molecular consequence: missense variant.
Genome position (GRCh38, 1-based): chr17:31,206,279, T>C. VCF-style: chr17-31206279-T-C. GRCh37 (hg19) VCF-style: chr17-29533297-T-C.
Other names: c.1300T>C, p.Cys434Arg (NM_000267.4, NM_001128147.3); short protein forms C434R.
Identifiers: ClinVar variation 4883329 (VCV004883329.2).